The following is an entry in ClinVar:

NM_000557.5(GDF5):c.1159C>G (p.Arg387Gly)

Genes: GDF5 (growth differentiation factor 5; minus strand), GDF5-AS1 (GDF5 antisense RNA 1; plus strand). Cytogenetic location: 20q11.22.
Variant type: single nucleotide variant.
Coding change: c.1159C>G on transcript NM_000557.5 (MANE Select); coding-DNA position 1159, C replaced by G.
Protein change: p.Arg387Gly; replaces arginine 387 with glycine.
Molecular consequence: missense variant. On other transcripts: non-coding transcript variant (1).
Genome position (GRCh38, 1-based): chr20:35,434,256, G>C on the plus strand (C>G on the coding strand, the complement: GDF5 is on the minus strand). VCF-style: chr20-35434256-G-C. GRCh37 (hg19) VCF-style: chr20-34022054-G-C.
Other names: c.1159C>G, p.Arg387Gly (NM_001319138.2); short protein forms R387G.
Identifiers: ClinVar variation 3680926 (VCV003680926.2).
Genomic context (GRCh38, chr20:35,434,256, plus strand): 5'-CATGCAGTGCCTTCCGACTGCAGCGAGCCTTAAGGTTCTTGCTGGGTCGCTTGCCCTGGC[G>C]AGTGGCCAGTGGGGCCCGCCGTTTTCGCCGCTGGCTGAACAGGTACTCATACACGGTCTT-3'
Protein context (NP_000548.2, residues 377-397): RRKRRAPLAT[Arg387Gly]QGKRPSKNLK

ClinVar aggregate classification (germline): Uncertain significance (1 of 4 stars; one submission).

gnomAD v4.1: 1 of 1,613,942 alleles (0.000062%); highest among the groups gnomAD compares: Non-Finnish European, 0.000085%; no homozygotes.

Submission:

Labcorp Genetics (formerly Invitae), Labcorp
Classification: Uncertain significance. Last evaluated: 2024-09-30. Review status: criteria provided, single submitter. Criteria: Invitae Variant Classification Sherloc (09022015). Collection method: clinical testing. Allele origin: germline.
Comment: This sequence change replaces arginine, which is basic and polar, with glycine, which is neutral and non-polar, at codon 387 of the GDF5 protein (p.Arg387Gly). This variant is not present in population databases (gnomAD no frequency). This variant has not been reported in the literature in individuals affected with GDF5-related conditions. An algorithm developed to predict the effect of missense changes on protein structure and function (PolyPhen-2) suggests that this variant is likely to be disruptive. In summary, the available evidence is currently insufficient to determine the role of this variant in disease. Therefore, it has been classified as a Variant of Uncertain Significance.